The following is an entry in ClinVar:

NM_000548.5(TSC2):c.1715A>C (p.Gln572Pro)

Gene: TSC2 (TSC complex subunit 2; plus strand). Cytogenetic location: 16p13.3.
Variant type: single nucleotide variant.
Coding change: c.1715A>C on transcript NM_000548.5 (MANE Select); coding-DNA position 1715, A replaced by C.
Protein change: p.Gln572Pro; replaces glutamine 572 with proline.
Molecular consequence: missense variant.
Genome position (GRCh38, 1-based): chr16:2,065,634, A>C. VCF-style: chr16-2065634-A-C. GRCh37 (hg19) VCF-style: chr16-2115635-A-C.
Other names: c.1715A>C, p.Gln572Pro (NM_001077183.3, NM_001114382.3, NM_001363528.2 and 3 more transcripts); c.1604A>C, p.Gln535Pro (NM_001318827.2); c.1568A>C, p.Gln523Pro (NM_001318829.2); c.1115A>C, p.Gln372Pro (NM_001318831.2); c.1748A>C, p.Gln583Pro (NM_001318832.2); short protein forms Q372P, Q572P, Q583P, Q523P, Q535P.
Identifiers: ClinVar variation 819892 (VCV000819892.12), dbSNP rs1596317664, ClinGen allele CA394270753.

ClinVar aggregate classification (germline): Uncertain significance. Review status: criteria provided, multiple submitters, no conflicts (2 of 4 stars). 4 submissions from 4 submitters: Uncertain significance (4). Last evaluated 2025-10-23.

Conditions:
Tuberous sclerosis syndrome (TSC). Also called: Tuberous Sclerosis Complex; Tuberous sclerosis. Identifiers: Orphanet 805, MedGen C0041341, MONDO:0001734.
Tuberous sclerosis 2 (TSC2). Identifiers: Orphanet 805, MedGen C1860707, MONDO:0013199, OMIM 613254.
Hereditary cancer-predisposing syndrome. Also called: Hereditary Cancer Syndrome; Neoplastic Syndromes, Hereditary; Hereditary neoplastic syndrome; Tumor predisposition. Identifiers: Orphanet 140162, MedGen C0027672, MeSH D009386, MONDO:0015356.

Submissions (4):

Labcorp Genetics (formerly Invitae), Labcorp
Classification: Uncertain significance for Tuberous sclerosis 2. Last evaluated: 2025-10-23. Review status: criteria provided, single submitter. Criteria: Invitae Variant Classification Sherloc (09022015). Collection method: clinical testing. Allele origin: germline.
Comment: This sequence change replaces glutamine, which is neutral and polar, with proline, which is neutral and non-polar, at codon 572 of the TSC2 protein (p.Gln572Pro). This variant is not present in population databases (gnomAD no frequency). This variant has not been reported in the literature in individuals affected with TSC2-related conditions. ClinVar contains an entry for this variant (Variation ID: 819892). An algorithm developed to predict the effect of missense changes on protein structure and function (PolyPhen-2) suggests that this variant is likely to be disruptive. In summary, the available evidence is currently insufficient to determine the role of this variant in disease. Therefore, it has been classified as a Variant of Uncertain Significance.

Ambry Genetics
Classification: Uncertain significance for Hereditary cancer-predisposing syndrome. Last evaluated: 2024-11-15. Review status: criteria provided, single submitter. Criteria: Ambry Variant Classification Scheme 2023. Collection method: clinical testing. Allele origin: germline.
Comment: The p.Q572P variant (also known as c.1715A>C), located in coding exon 15 of the TSC2 gene, results from an A to C substitution at nucleotide position 1715. The glutamine at codon 572 is replaced by proline, an amino acid with similar properties. This amino acid position is highly conserved in available vertebrate species. In addition, this alteration is predicted to be deleterious by in silico analysis. Based on the available evidence, the clinical significance of this variant remains unclear.

All of Us Research Program, National Institutes of Health
Classification: Uncertain significance for Tuberous sclerosis syndrome. Last evaluated: 2024-03-24. Review status: criteria provided, single submitter. Criteria: ACMG Guidelines, 2015. Collection method: clinical testing. Allele origin: germline. Inheritance: Autosomal dominant inheritance. Observed: 1 variant allele, 1 heterozygote.
Comment: This missense variant replaces glutamine with proline at codon 572 of the TSC2 protein. Computational prediction is inconclusive regarding the impact of this variant on protein structure and function (internally defined REVEL score threshold 0.5 < inconclusive < 0.7, PMID: 27666373). To our knowledge, functional studies have not been reported for this variant. This variant has not been reported in individuals affected with TSC2-related disorders in the literature. This variant has not been identified in the general population by the Genome Aggregation Database (gnomAD). The available evidence is insufficient to determine the role of this variant in disease conclusively. Therefore, this variant is classified as a Variant of Uncertain Significance.

This study involves interpretation of variants in research participants for the purpose of population health screening. Participant phenotype was not available at the time of variant classification. Additional details can be found in publication PMID: 35346344, PMCID: PMC8962531

GeneDx
Classification: Uncertain significance. Last evaluated: 2024-01-26. Review status: criteria provided, single submitter. Criteria: GeneDx Variant Classification Process June 2021. Collection method: clinical testing. Allele origin: germline. Affected: yes.
Comment: Not observed at significant frequency in large population cohorts (gnomAD); In silico analysis supports that this missense variant has a deleterious effect on protein structure/function; Has not been previously published as pathogenic or benign to our knowledge